The following is an entry in ClinVar:

ClinVar aggregate classification (germline): Conflicting classifications of pathogenicity. Review status: criteria provided, conflicting classifications (1 of 4 stars). 6 submissions from 6 submitters: Pathogenic (1); Likely pathogenic (1); Uncertain significance (4). Last evaluated 2025-05-16.

Conditions:
Fanconi anemia complementation group U. Identifiers: MedGen C4310651, MONDO:0014987, OMIM 617247.
Hereditary cancer-predisposing syndrome. Also called: Neoplastic Syndromes, Hereditary; Tumor predisposition; Hereditary Cancer Syndrome; Hereditary neoplastic syndrome. Identifiers: Orphanet 140162, MedGen C0027672, MeSH D009386, MONDO:0015356.

Submissions (6):

Quest Diagnostics Nichols Institute San Juan Capistrano
Classification: Uncertain significance. Last evaluated: 2025-05-16. Review status: criteria provided, single submitter. Criteria: Quest Diagnostics criteria. Collection method: clinical testing. Allele origin: unknown.
Comment: The XRCC2 c.378_381del (p.Leu126Phefs*7) variant is located in the terminal exon of the XRCC2 gene and is not expected to cause loss of protein expression through nonsense-mediated decay. However, it disrupts a substantial portion of the protein and is expected to disrupt its function. In the published literature, this variant has been identified in an individual with a clinical suspicion of hereditary cancer (PMID: 32235514 (2020)). The frequency of this variant in the general population (Genome Aggregation Database) is higher than would generally be expected for pathogenic variants in this gene. Based on the available information, we are unable to determine the clinical significance of this variant.

Labcorp Genetics (formerly Invitae), Labcorp
Classification: Uncertain significance. Last evaluated: 2024-04-10. Review status: criteria provided, single submitter. Criteria: Invitae Variant Classification Sherloc (09022015). Collection method: clinical testing. Allele origin: germline.
Comment: This sequence change creates a premature translational stop signal (p.Leu126Phefs*7) in the XRCC2 gene. While this is not anticipated to result in nonsense mediated decay, it is expected to disrupt the last 155 amino acid(s) of the XRCC2 protein. This variant is present in population databases (rs763401560, gnomAD 0.01%). This variant has not been reported in the literature in individuals affected with XRCC2-related conditions. ClinVar contains an entry for this variant (Variation ID: 420463). Experimental studies and prediction algorithms are not available or were not evaluated, and the functional significance of this variant is currently unknown. In summary, the available evidence is currently insufficient to determine the role of this variant in disease. Therefore, it has been classified as a Variant of Uncertain Significance.

Blueprint Genetics
Classification: Uncertain significance. Last evaluated: 2023-07-03. Review status: criteria provided, single submitter. Criteria: ACMG Guidelines, 2015. Collection method: clinical testing. Allele origin: germline.

Ambry Genetics
Classification: Pathogenic for Hereditary cancer-predisposing syndrome. Last evaluated: 2022-07-12. Review status: criteria provided, single submitter. Criteria: Ambry Variant Classification Scheme 2023. Collection method: clinical testing. Allele origin: germline.
Comment: The c.378_381delACTT pathogenic mutation, located in coding exon 3 of the XRCC2 gene, results from a deletion of 4 nucleotides at nucleotide positions 378 to 381, causing a translational frameshift with a predicted alternate stop codon (p.L126Ffs*7). This alteration occurs at the 3' terminus of XRCC2 gene, is not expected to trigger nonsense-mediated mRNA decay, and impacts the last 149 amino acids of the protein. However, premature stop codons are typically deleterious in nature and a significant portion of the protein is affected (Ambry internal data). Based on the supporting evidence, this alteration is interpreted as a disease-causing mutation.

Laboratorio de Genetica e Diagnostico Molecular, Hospital Israelita Albert Einstein
Classification: Likely pathogenic for Fanconi anemia complementation group U. Last evaluated: 2021-09-26. Review status: criteria provided, single submitter. Criteria: ACMG Guidelines, 2015. Collection method: clinical testing. Allele origin: germline. Affected: yes.
Comment: ACMG classification criteria: PVS1 strong, PM2 moderate

Mendelics
Classification: Uncertain significance for Fanconi anemia complementation group U. Last evaluated: 2019-05-28. Review status: criteria provided, single submitter. Criteria: Mendelics Assertion Criteria 2017. Collection method: clinical testing. Allele origin: unknown.

Literature cited by the submitters: PubMed 32235514 (cited by Quest Diagnostics Nichols Institute San Juan Capistrano).

NM_005431.2(XRCC2):c.378_381del (p.Leu126fs)

Gene: XRCC2 (X-ray repair cross complementing 2; minus strand). Cytogenetic location: 7q36.1.
Variant type: Microsatellite.
Coding change: c.378_381del on transcript NM_005431.2 (MANE Select); coding-DNA positions 378 to 381, 4 bases deleted (ACTT; older notation c.378_381delACTT).
Protein change: p.Leu126fs; shifts the reading frame from leucine 126.
Molecular consequence: frameshift variant.
Genome position (GRCh38, 1-based): chr7:152,649,104-152,649,107, AAGT deleted on the plus strand (ACTT on the coding strand, the reverse complement: XRCC2 is on the minus strand); deleting any 4 consecutive bases within chr7:152,649,104-152,649,111 gives the same sequence; the c. name uses the placement nearest the transcript's 3' end. VCF-style (leftmost placement, unchanged base first): chr7-152649103-GAAGT-G. GRCh37 (hg19) VCF-style: chr7-152346188-GAAGT-G.
Other names: c.378_381del (NM_005431.1); short protein forms L126fs.
Identifiers: ClinVar variation 420463 (VCV000420463.22), dbSNP rs763401560, ClinGen allele CA4582353.